The following is an entry in ClinVar:

NM_001429.4(EP300):c.287G>C (p.Gly96Ala)

Gene: EP300 (E1A binding protein p300; plus strand). Cytogenetic location: 22q13.2.
Variant type: single nucleotide variant.
Coding change: c.287G>C on transcript NM_001429.4 (MANE Select); coding-DNA position 287, G replaced by C.
Protein change: p.Gly96Ala; replaces glycine 96 with alanine.
Molecular consequence: missense variant.
Genome position (GRCh38, 1-based): chr22:41,117,379, G>C. VCF-style: chr22-41117379-G-C. GRCh37 (hg19) VCF-style: chr22-41513383-G-C.
Other names: c.287G>C, p.Gly96Ala (NM_001362843.2); short protein forms G96A.
Identifiers: ClinVar variation 3347287 (VCV003347287.1).

ClinVar aggregate classification (germline): Uncertain significance (0 of 4 stars; one submission).

Conditions:
EP300-related disorder. Also called: EP300-related disorders; EP300-related condition.

gnomAD v4.1: 5 of 1,614,156 alleles (0.00031%); highest among the groups gnomAD compares: Non-Finnish European, 0.00034%; no homozygotes.

Submission:

PreventionGenetics, part of Exact Sciences
Classification: Uncertain significance for EP300-related condition. Last evaluated: 2024-08-01. Review status: no assertion criteria provided. Collection method: clinical testing. Allele origin: germline.
Comment: The EP300 c.287G>C variant is predicted to result in the amino acid substitution p.Gly96Ala. To our knowledge, this variant has not been reported in the literature. This variant is reported in 0.0018% of alleles in individuals of European (Non-Finnish) descent in gnomAD. At this time, the clinical significance of this variant is uncertain due to the absence of conclusive functional and genetic evidence.